The following is an entry in ClinVar:

ClinVar aggregate classification (germline): Benign/Likely benign. Review status: criteria provided, multiple submitters, no conflicts (2 of 4 stars). 7 submissions from 7 submitters: Benign (1); Likely benign (6). Last evaluated 2025-12-23.

Conditions:
CACNA1D-related disorder.

Allele frequency attached by ClinVar (database versions not stated): ESP Exome Variant Server 0.00008; ExAC 0.00010; gnomAD exomes 0.00010 and 0.00011; gnomAD 0.00014 and 0.00019; TOPMed 0.00021; 1000 Genomes Project 30x 0.00078; 1000 Genomes Project 0.00080.
gnomAD v4.1: 187 of 1,606,626 alleles (0.012%); highest among the groups gnomAD compares: Middle Eastern, 0.33%; no homozygotes.

Submissions (7):

Labcorp Genetics (formerly Invitae), Labcorp
Classification: Likely benign. Last evaluated: 2025-12-23. Review status: criteria provided, single submitter. Criteria: Invitae Variant Classification Sherloc (09022015). Collection method: clinical testing. Allele origin: germline.

CeGaT Center for Human Genetics Tuebingen
Classification: Likely benign. Last evaluated: 2025-12-01. Review status: criteria provided, single submitter. Criteria: CeGaT Center For Human Genetics Tuebingen Variant Classification Criteria Version 2. Collection method: clinical testing. Allele origin: germline. Affected: yes. Observed: 1 variant allele.
Comment: CACNA1D: BP4, BS2

PreventionGenetics, part of Exact Sciences
Classification: Likely benign for CACNA1D-related condition. Last evaluated: 2025-05-05. Review status: criteria provided, single submitter. Criteria: ACMG Guidelines, 2015. Collection method: clinical testing. Allele origin: germline.
Comment: This variant is classified as likely benign based on ACMG/AMP sequence variant interpretation guidelines (Richards et al. 2015 PMID: 25741868, with internal and published modifications).

Blueprint Genetics
Classification: Likely benign. Last evaluated: 2024-09-20. Review status: criteria provided, single submitter. Criteria: ACMG Guidelines, 2015. Collection method: clinical testing. Allele origin: germline.

GeneDx
Classification: Likely benign. Last evaluated: 2018-05-11. Review status: criteria provided, single submitter. Criteria: GeneDx Variant Classification (06012015). Collection method: clinical testing. Allele origin: germline. Affected: yes.
Comment: This variant is considered likely benign or benign based on one or more of the following criteria: it is a conservative change, it occurs at a poorly conserved position in the protein, it is predicted to be benign by multiple in silico algorithms, and/or has population frequency not consistent with disease.

Laboratory for Molecular Medicine, Mass General Brigham Personalized Medicine
Classification: Benign. Last evaluated: 2014-11-24. Review status: criteria provided, single submitter. Criteria: LMM Criteria. Collection method: clinical testing. Allele origin: germline. Observed: 1 variant allele.
Comment: Ala275Ala in exon 6 of CACNA1D: This variant is not expected to have clinical significance because it does not alter an amino acid residue and is not located within the splice consensus sequence. It has been identified in 2.6% (5/194) of Luhya (Kenyan) chromosomes from a broad population by the 1000 Genomes Project (dbSNP rs193196995).

Breakthrough Genomics
Classification: Likely benign. Review status: criteria provided, single submitter. Criteria: ACMG Guidelines, 2015. Collection method: not provided. Allele origin: germline. Inheritance: Autosomal recessive inheritance. Affected: yes.

NM_001128840.3(CACNA1D):c.825C>T (p.Ala275=)

Gene: CACNA1D (calcium voltage-gated channel subunit alpha1 D; plus strand). Cytogenetic location: 3p21.1.
Variant type: single nucleotide variant.
Coding change: c.825C>T on transcript NM_001128840.3 (MANE Select); coding-DNA position 825, C replaced by T.
Protein change: p.Ala275=; no amino-acid change (alanine 275 retained).
Molecular consequence: synonymous variant.
Genome position (GRCh38, 1-based): chr3:53,665,718, C>T. VCF-style: chr3-53665718-C-T. GRCh37 (hg19) VCF-style: chr3-53699745-C-T.
Other names: c.825C>T, p.Ala275= (NM_000720.4, NM_001128839.3).
Identifiers: ClinVar variation 682564 (VCV000682564.21), dbSNP rs193196995, ClinGen allele CA2453768.